The following is an entry in ClinVar:

ClinVar aggregate classification (germline): Pathogenic (1 of 4 stars; one submission).

Conditions:
Cowden syndrome 7 (CWS7). Identifiers: Orphanet 201, MedGen C4225179, MONDO:0014802, OMIM 616858.
Congenital dyserythropoietic anemia, type II (CDAN2). Also called: DYSERYTHROPOIETIC ANEMIA, HEMPAS TYPE. Identifiers: Orphanet 98873, MedGen C1306589, MONDO:0009134, OMIM 224100.

Submissions (2):

Labcorp Genetics (formerly Invitae), Labcorp
Classification: Pathogenic for Congenital dyserythropoietic anemia, type II; Cowden syndrome 7. Last evaluated: 2023-12-15. Review status: criteria provided, single submitter. Criteria: Invitae Variant Classification Sherloc (09022015). Collection method: clinical testing. Allele origin: germline.
Comment: This sequence change creates a premature translational stop signal (p.Gln581*) in the SEC23B gene. It is expected to result in an absent or disrupted protein product. Loss-of-function variants in SEC23B are known to be pathogenic (PMID: 19561605, 25044164). This variant is not present in population databases (gnomAD no frequency). This variant has not been reported in the literature in individuals affected with SEC23B-related conditions. For these reasons, this variant has been classified as Pathogenic.

Dr. Peter K. Rogan Lab, Western University
No classification provided (evidence only). Condition: Cervical cancer. Review status: no classification provided. Collection method: in vitro. Allele origin: not applicable. Functional consequence: retained intron. Not counted in ClinVar's aggregate classification.

Literature cited by the submitters: PubMed 19561605 (cited by Labcorp Genetics (formerly Invitae), Labcorp); PubMed 25044164 (cited by Labcorp Genetics (formerly Invitae), Labcorp).

NM_006363.6(SEC23B):c.1741C>T (p.Gln581Ter)

Gene: SEC23B (SEC23 homolog B, COPII component; plus strand). Cytogenetic location: 20p11.23.
Variant type: single nucleotide variant.
Coding change: c.1741C>T on transcript NM_006363.6 (MANE Select); coding-DNA position 1741, C replaced by T.
Protein change: p.Gln581Ter; replaces glutamine 581 with a stop codon.
Molecular consequence: nonsense.
Genome position (GRCh38, 1-based): chr20:18,546,031, C>T. VCF-style: chr20-18546031-C-T. GRCh37 (hg19) VCF-style: chr20-18526675-C-T.
Other names: c.1741C>T, p.Gln581Ter (NM_001172745.3, NM_032985.6, NM_032986.5); c.1687C>T, p.Gln563Ter (NM_001172746.3); short protein forms Q581*, Q563*.
Identifiers: ClinVar variation 2932853 (VCV002932853.4), dbSNP rs2517508341, ClinGen allele CA408364435.
Genomic context (GRCh38, chr20:18,546,031, plus strand): 5'-CAGTATAACAAAGAAGACCCCACTTCTTTTAGGTTATCAGATTCCTTTTCTCTATATCCT[C>T]AGGTAAGTAATGTATGTTTCTAAAATAACTACAGAGCAATAAATTTTGATAGAAATTAAC-3'